The following is an entry in ClinVar:

ClinVar aggregate classification (germline): Uncertain significance (1 of 4 stars; one submission).

Conditions:
Familial thoracic aortic aneurysm and aortic dissection (TAAD). Also called: Thoracic aortic aneurysms and dissections. Identifiers: Orphanet 91387, MedGen C4707243, MONDO:0019625.

Submission:

Ambry Genetics
Classification: Uncertain significance for Familial thoracic aortic aneurysm and aortic dissection. Last evaluated: 2025-03-31. Review status: criteria provided, single submitter. Criteria: Ambry Variant Classification Scheme 2023. Collection method: clinical testing. Allele origin: germline.
Comment: The p.W612R variant (also known as c.1834T>C), located in coding exon 17 of the PLOD1 gene, results from a T to C substitution at nucleotide position 1834. The tryptophan at codon 612 is replaced by arginine, an amino acid with dissimilar properties. This amino acid position is conserved. In addition, this alteration is predicted to be deleterious by in silico analysis. Based on the available evidence, the clinical significance of this variant remains unclear.

NM_000302.4(PLOD1):c.1834T>C (p.Trp612Arg)

Gene: PLOD1 (procollagen-lysine,2-oxoglutarate 5-dioxygenase 1; plus strand). Cytogenetic location: 1p36.22.
Variant type: single nucleotide variant.
Coding change: c.1834T>C on transcript NM_000302.4 (MANE Select); coding-DNA position 1834, T replaced by C.
Protein change: p.Trp612Arg; replaces tryptophan 612 with arginine.
Molecular consequence: missense variant.
Genome position (GRCh38, 1-based): chr1:11,970,748, T>C. VCF-style: chr1-11970748-T-C. GRCh37 (hg19) VCF-style: chr1-12030805-T-C.
Other names: c.1975T>C, p.Trp659Arg (NM_001316320.2); short protein forms W612R, W659R.
Identifiers: ClinVar variation 3934559 (VCV003934559.1).